The following is an entry in ClinVar:

NM_001098626.2(ZNF98):c.1395A>G (p.Glu465=)

Gene: ZNF98 (zinc finger protein 98; minus strand). Cytogenetic location: 19p12.
Variant type: single nucleotide variant.
Coding change: c.1395A>G on transcript NM_001098626.2 (MANE Select); coding-DNA position 1395, A replaced by G.
Protein change: p.Glu465=; no amino-acid change (glutamic acid 465 retained).
Molecular consequence: synonymous variant.
Genome position (GRCh38, 1-based): chr19:22,391,840, T>C on the plus strand (A>G on the coding strand, the complement: ZNF98 is on the minus strand). VCF-style: chr19-22391840-T-C. GRCh37 (hg19) VCF-style: chr19-22574642-T-C.
Identifiers: ClinVar variation 2649649 (VCV002649649.24), dbSNP rs1969327594, ClinGen allele CA506618257.

ClinVar aggregate classification (germline): Likely benign (1 of 4 stars; one submission).

Submission:

CeGaT Center for Human Genetics Tuebingen
Classification: Likely benign. Last evaluated: 2023-03-01. Review status: criteria provided, single submitter. Criteria: CeGaT Center For Human Genetics Tuebingen Variant Classification Criteria Version 2. Collection method: clinical testing. Allele origin: germline. Affected: yes. Observed: 1 variant allele.
Comment: ZNF98: BP4, BP7